The following is an entry in ClinVar:

GRCh38/hg38 3q12.2(chr3:100641848-100725206)x3

Genes: ADGRG7 (adhesion G protein-coupled receptor G7; plus strand), TFG (trafficking from ER to golgi regulator; plus strand), LOC129937149 (ATAC-STARR-seq lymphoblastoid active region 20162; plus strand), LOC129937150 (ATAC-STARR-seq lymphoblastoid active region 20163; plus strand). Cytogenetic location: 3q12.2.
Variant type: copy number gain.
Change: copy number 3 (three copies instead of two) of chr3:100,641,848-100,725,206 (83.4 kb, GRCh38 coordinates, 1-based), cytogenetic band 3q12.2.
Identifiers: ClinVar variation 144846 (VCV000144846.1).

ClinVar aggregate classification (germline): Benign/Likely benign (0 of 4 stars; one submission).

Submission:

GeneDx
Classification: Benign/Likely benign. Last evaluated: 2011-04-30. Review status: no assertion criteria provided. Collection method: clinical testing. Allele origin: not provided. Affected: yes. Observed: 15 variant alleles. Clinical features observed: Developmental delay AND/OR other significant developmental or morphological phenotypes.
Comment: Likely benign (3), Benign (12)